The following is an entry in ClinVar:

NM_004562.3(PRKN):c.-30T>C

Genes: PACRG (parkin coregulated; plus strand), PRKN (parkin RBR E3 ubiquitin protein ligase; minus strand). Cytogenetic location: 6q26.
Variant type: single nucleotide variant.
Coding change: c.-30T>C on transcript NM_004562.3 (MANE Select); 30 bases upstream of the start codon, T replaced by C.
Molecular consequence: 5 prime UTR variant. On other transcripts: intron variant (2).
Genome position (GRCh38, 1-based): chr6:162,727,698, A>G on the plus strand (T>C on the coding strand, the complement: PRKN is on the minus strand). VCF-style: chr6-162727698-A-G. GRCh37 (hg19) VCF-style: chr6-163148730-A-G.
Other names: c.-30T>C (NM_013987.3, NM_013988.3); c.-77+419A>G (NM_152410.3, NM_001080378.2).
Identifiers: ClinVar variation 356022 (VCV000356022.11), dbSNP rs200065081, ClinGen allele CA4090578.

ClinVar aggregate classification (germline): Likely benign. Review status: criteria provided, multiple submitters, no conflicts (2 of 4 stars). 3 submissions from 3 submitters: Likely benign (2). 1 of the submissions does not count toward it. Last evaluated 2020-06-30.

Conditions:
Autosomal recessive juvenile Parkinson disease 2. Also called: Parkinson disease autosomal recessive, early onset; Juvenile parkinsonism; Parkinsonism, early onset, with diurnal fluctuation; PARKINSON DISEASE, JUVENILE, AUTOSOMAL RECESSIVE; PRKN-Related Early-Onset Parkinson Disease; Parkinson disease, juvenile, type 2. Identifiers: Orphanet 2828, MedGen C1868675, MONDO:0010820, OMIM 600116.
PRKN-related disorder. Also called: PRKN-related condition.

Allele frequency attached by ClinVar (database versions not stated): ESP Exome Variant Server 0.00422; gnomAD 0.00625 and 0.00671; 1000 Genomes Project 30x 0.00640; gnomAD exomes 0.00052 and 0.00130; ExAC 0.00244; 1000 Genomes Project 0.00659; TOPMed 0.00675.
gnomAD v4.1: 1,691 of 1,566,206 alleles (0.11%); highest among the groups gnomAD compares: African/African-American, 2.1%; 22 homozygotes.

Submissions (3):

GeneDx
Classification: Likely benign. Last evaluated: 2020-06-30. Review status: criteria provided, single submitter. Criteria: GeneDx Variant Classification Process June 2021. Collection method: clinical testing. Allele origin: germline. Affected: yes.

Illumina Laboratory Services, Illumina
Classification: Likely benign for Autosomal recessive juvenile Parkinson disease 2. Last evaluated: 2018-01-12. Review status: criteria provided, single submitter. Criteria: ICSL Variant Classification Criteria 13 December 2019. Collection method: clinical testing. Allele origin: germline.
Comment: This variant was observed in the ICSL laboratory as part of a predisposition screen in an ostensibly healthy population. It had not been previously curated by ICSL or reported in the Human Gene Mutation Database (HGMD: prior to June 1st, 2018), and was therefore a candidate for classification through an automated scoring system. Utilizing variant allele frequency, disease prevalence and penetrance estimates, and inheritance mode, an automated score was calculated to assess if this variant is too frequent to cause the disease. Based on the score and internal cut-off values, a variant classified as likely benign is not then subjected to further curation. The score for this variant resulted in a classification of likely benign for this disease.

PreventionGenetics, part of Exact Sciences
Classification: Benign for PRKN-related condition. Last evaluated: 2019-03-19. Review status: no assertion criteria provided. Collection method: clinical testing. Allele origin: germline. Not counted in ClinVar's aggregate classification.
Comment: This variant is classified as benign based on ACMG/AMP sequence variant interpretation guidelines (Richards et al. 2015 PMID: 25741868, with internal and published modifications).